The following is an entry in ClinVar:

NM_170707.4(LMNA):c.832G>A (p.Ala278Thr)

Gene: LMNA (lamin A/C; plus strand). Cytogenetic location: 1q22.
Variant type: single nucleotide variant.
Coding change: c.832G>A on transcript NM_170707.4 (MANE Select); coding-DNA position 832, G replaced by A.
Protein change: p.Ala278Thr; replaces alanine 278 with threonine.
Molecular consequence: missense variant.
Genome position (GRCh38, 1-based): chr1:156,135,208, G>A. VCF-style: chr1-156135208-G-A. GRCh37 (hg19) VCF-style: chr1-156104999-G-A.
Other names: c.496G>A, p.Ala166Thr (NM_001257374.3); c.589G>A, p.Ala197Thr (NM_001282624.2); c.832G>A, p.Ala278Thr (NM_001282625.2, NM_001282626.2, NM_005572.4 and 1 more transcripts); c.832G>A (NM_170707.3); short protein forms A166T, A197T, A278T.
Identifiers: ClinVar variation 995175 (VCV000995175.10), dbSNP rs1553265433, ClinGen allele CA342817512.

ClinVar aggregate classification (germline): Conflicting classifications of pathogenicity. Review status: criteria provided, conflicting classifications (1 of 4 stars). 4 submissions from 4 submitters: Pathogenic (1); Likely pathogenic (2); Uncertain significance (1). Last evaluated 2024-07-15.

Conditions:
Cardiomyopathy (CMYO). Also called: Cardiomyopathies. Identifiers: Orphanet 167848, MedGen C0878544, MONDO:0004994, HP:0001638. Inheritance: Various modes of inheritance.
LMNA-related disorder. Also called: LMNA-related disorders; LMNA-related condition; LMNA-related disease. Identifiers: MedGen CN380145.
Charcot-Marie-Tooth disease type 2. Also called: Charcot-Marie-Tooth type 2. Identifiers: Orphanet 64746, MedGen C0270914, MONDO:0018993.

Allele frequency attached by ClinVar (database versions not stated): gnomAD 0.00001.
gnomAD v4.1: 1 of 1,613,894 alleles (0.000062%); highest among the groups gnomAD compares: Non-Finnish European, 0.000085%; no homozygotes.

Submissions (4):

Color Diagnostics, LLC DBA Color Health
Classification: Uncertain significance for Cardiomyopathy. Last evaluated: 2024-07-15. Review status: criteria provided, single submitter. Criteria: ACMG Guidelines, 2015. Collection method: clinical testing. Allele origin: germline.
Comment: This missense variant replaces alanine with threonine at codon 278 in the intermediate filament rod domain of the LMNA protein. Computational prediction tools indicate that this variant has a deleterious impact on protein structure and function. To our knowledge, functional studies have not been reported for this variant. This variant has been reported in one family affected with atrial fibrillation, supraventricular tachycardia, and ventricular fibrillation (PMID: 20472316). Within this family, it has been shown that this variant segregates with disease in seven affected individuals (PMID: 20472316). This variant has not been identified in the general population by the Genome Aggregation Database (gnomAD). Based on the available evidence, this variant is classified as a Variant of Uncertain Significance for autosomal dominant dilated cardiomyopathy, although it is known to cause atrial fibrillation (ClinVar variation ID: 995175).

PreventionGenetics, part of Exact Sciences
Classification: Likely pathogenic for LMNA-related condition. Last evaluated: 2023-07-31. Review status: criteria provided, single submitter. Criteria: ACMG Guidelines, 2015. Collection method: clinical testing. Allele origin: germline.
Comment: The LMNA c.832G>A variant is predicted to result in the amino acid substitution p.Ala278Thr. This variant was reported in a family of individuals with atrial fibrillation phenotypes and was reported to segregate with disease (Beckmann et al. 2010. PubMed ID: 20472316). A similar amino acid substitution (p.Ala278Pro) has also been reported in individuals with an Emery-Dreifuss muscular dystrophy, and limb-girdle muscular dystrophy phenotypes (Table 2, Tan et al. 2015. PubMed ID: 26098624; Reddy et al. 2016. PubMed ID: 27708273). This variant has not been reported in a large population database, indicating this variant is rare. This variant is interpreted as likely pathogenic.

Labcorp Genetics (formerly Invitae), Labcorp
Classification: Pathogenic for Charcot-Marie-Tooth disease type 2. Last evaluated: 2021-07-17. Review status: criteria provided, single submitter. Criteria: Invitae Variant Classification Sherloc (09022015). Collection method: clinical testing. Allele origin: germline.
Comment: Algorithms developed to predict the effect of missense changes on protein structure and function (SIFT, PolyPhen-2, Align-GVGD) all suggest that this variant is likely to be disruptive. This sequence change replaces alanine with threonine at codon 278 of the LMNA protein (p.Ala278Thr). The alanine residue is highly conserved and there is a small physicochemical difference between alanine and threonine. This variant is not present in population databases (ExAC no frequency). This variant has been observed in individual(s) with autosomal dominant LMNA-related conditions (PMID: 20472316). It has also been observed to segregate with disease in related individuals. ClinVar contains an entry for this variant (Variation ID: 995175). This variant disrupts the p.Ala278 amino acid residue in LMNA. Other variant(s) that disrupt this residue have been determined to be pathogenic (PMID: 26098624, 27708273; Invitae). This suggests that this residue is clinically significant, and that variants that disrupt this residue are likely to be disease-causing. For these reasons, this variant has been classified as Pathogenic.

Athena Diagnostics
Classification: Likely pathogenic. Last evaluated: 2019-11-05. Review status: criteria provided, single submitter. Criteria: Athena Diagnostics Criteria. Collection method: clinical testing. Allele origin: unknown.
Comment: Not found in the total gnomAD dataset, and the data is high quality. Predicted to have a damaging effect on the protein. Segregation with disease in affected individuals from a single family.

Literature cited by the submitters: PubMed 20472316 (cited by 3 submitters); PubMed 26098624 (cited by Labcorp Genetics (formerly Invitae), Labcorp); PubMed 27708273 (cited by Labcorp Genetics (formerly Invitae), Labcorp); PubMed 23853504 (cited by Athena Diagnostics).